The following is an entry in ClinVar:

ClinVar aggregate classification (germline): Uncertain significance (1 of 4 stars; one submission).

Conditions:
Hereditary cancer-predisposing syndrome. Also called: Neoplastic Syndromes, Hereditary; Tumor predisposition; Hereditary neoplastic syndrome; Hereditary Cancer Syndrome. Identifiers: Orphanet 140162, MedGen C0027672, MeSH D009386, MONDO:0015356.

gnomAD v4.1: 1 of 1,614,028 alleles (0.000062%); highest among the groups gnomAD compares: African/African-American, 0.0013%; no homozygotes.

Submission:

Ambry Genetics
Classification: Uncertain significance for Hereditary cancer-predisposing syndrome. Last evaluated: 2026-07-06. Review status: criteria provided, single submitter. Criteria: Ambry Variant Classification Scheme 2023. Collection method: clinical testing. Allele origin: germline.
Comment: The p.D610N variant (also known as c.1828G>A), located in coding exon 14 of the APC gene, results from a G to A substitution at nucleotide position 1828. The aspartic acid at codon 610 is replaced by asparagine, an amino acid with highly similar properties. This amino acid position is well conserved in available vertebrate species. In addition, in silico predictors for this gene do not accurately predict pathogenicity. Based on the available evidence, the clinical significance of this variant remains unclear.

NM_000038.6(APC):c.1828G>A (p.Asp610Asn)

Gene: APC (APC regulator of Wnt signaling pathway; plus strand). Cytogenetic location: 5q22.2.
Variant type: single nucleotide variant.
Coding change: c.1828G>A on transcript NM_000038.6 (MANE Select); coding-DNA position 1828, G replaced by A.
Protein change: p.Asp610Asn; replaces aspartic acid 610 with asparagine.
Molecular consequence: missense variant. On other transcripts: non-coding transcript variant (2).
Genome position (GRCh38, 1-based): chr5:112,835,035, G>A. VCF-style: chr5-112835035-G-A. GRCh37 (hg19) VCF-style: chr5-112170732-G-A.
Other names: c.1798G>A, p.Asp600Asn (NM_001407452.1); c.1651G>A, p.Asp551Asn (NM_001407453.1, NM_001354901.2); c.1579G>A, p.Asp527Asn (NM_001407454.1, NM_001407455.1, NM_001407456.1 and 1 more transcripts); c.1882G>A, p.Asp628Asn (NM_001407448.1, NM_001407449.1, NM_001354896.2 and 1 more transcripts); c.1828G>A, p.Asp610Asn (NM_001407450.1, NM_001127510.3, NM_001354895.2); c.1807G>A, p.Asp603Asn (NM_001407451.1); c.1774G>A, p.Asp592Asn (NM_001127511.3); c.1858G>A, p.Asp620Asn (NM_001354897.2); and 11 more; short protein forms D450N, D509N, D551N, D569N, D628N, D638N, D226N, D484N.
Identifiers: ClinVar variation 5024800 (VCV005024800.1).
Genomic context (GRCh38, chr5:112,835,035, plus strand): 5'-AGTGCCTTATGGAATTTGTCAGCACATTGCACTGAGAATAAAGCTGATATATGTGCTGTA[G>A]ATGGTGCACTTGCATTTTTGGTTGGCACTCTTACTTACCGGAGCCAGACAAACACTTTAG-3'
Protein context (NP_000029.2, residues 600-620): TENKADICAV[Asp610Asn]GALAFLVGTL